The following is an entry in ClinVar:

NM_001369268.1(ACAN):c.7151G>A (p.Arg2384His)

Gene: ACAN (aggrecan; plus strand). Cytogenetic location: 15q26.1.
Variant type: single nucleotide variant.
Coding change: c.7151G>A on transcript NM_001369268.1 (MANE Select); coding-DNA position 7151, G replaced by A.
Protein change: p.Arg2384His; replaces arginine 2384 with histidine.
Molecular consequence: missense variant.
Genome position (GRCh38, 1-based): chr15:88,871,472, G>A. VCF-style: chr15-88871472-G-A. GRCh37 (hg19) VCF-style: chr15-89414703-G-A.
Other names: c.6923G>A, p.Arg2308His (NM_001135.4); c.7037G>A, p.Arg2346His (NM_013227.4); short protein forms R2346H, R2384H, R2308H.
Identifiers: ClinVar variation 786278 (VCV000786278.12), dbSNP rs199999713, ClinGen allele CA7720573.

ClinVar aggregate classification (germline): Conflicting classifications of pathogenicity. Review status: criteria provided, conflicting classifications (1 of 4 stars). 3 submissions from 3 submitters: Uncertain significance (1); Likely benign (2). Last evaluated 2025-12-17.

Conditions:
Inborn genetic diseases. Identifiers: MedGen C0950123, MeSH D030342.

Allele frequency attached by ClinVar (database versions not stated): gnomAD exomes 0.00010 and 0.00026; ExAC 0.00026; ESP Exome Variant Server 0.00078; gnomAD 0.00104 and 0.00113; 1000 Genomes Project 0.00120; 1000 Genomes Project 30x 0.00125; TOPMed 0.00139.
gnomAD v4.1: 308 of 1,613,890 alleles (0.019%); highest among the groups gnomAD compares: African/African-American, 0.33%; no homozygotes.

Submissions (3):

Labcorp Genetics (formerly Invitae), Labcorp
Classification: Likely benign. Last evaluated: 2025-12-17. Review status: criteria provided, single submitter. Criteria: Invitae Variant Classification Sherloc (09022015). Collection method: clinical testing. Allele origin: germline.

Ambry Genetics
Classification: Uncertain significance for Inborn genetic diseases. Last evaluated: 2025-10-14. Review status: criteria provided, single submitter. Criteria: Ambry Variant Classification Scheme 2023. Collection method: clinical testing. Allele origin: germline.

Women's Health and Genetics/Laboratory Corporation of America, LabCorp
Classification: Likely benign. Last evaluated: 2024-07-22. Review status: criteria provided, single submitter. Criteria: LabCorp Variant Classification Summary - May 2015. Collection method: clinical testing. Allele origin: germline.
Comment: Variant summary: ACAN c.7151G>A (p.Arg2384His) results in a non-conservative amino acid change in the encoded protein sequence. Four of five in-silico tools predict a benign effect of the variant on protein function. The variant allele was found at a frequency of 0.00026 in 248352 control chromosomes, predominantly at a frequency of 0.0032 within the African or African-American subpopulation in the gnomAD database. The observed variant frequency within African or African-American control individuals in the gnomAD database exceeds the estimated maximal expected allele frequency for a pathogenic variant in ACAN causing ACAN-Related Disorders phenotype. To our knowledge, no occurrence of c.7151G>A in individuals affected with ACAN-Related Disorders and no experimental evidence demonstrating its impact on protein function have been reported. ClinVar contains an entry for this variant (Variation ID: 786278). Based on the evidence outlined above, the variant was classified as likely benign.